The following is an entry in ClinVar:

NM_004655.4(AXIN2):c.816-17T>C

Gene: AXIN2 (axin 2; minus strand). Cytogenetic location: 17q24.1.
Variant type: single nucleotide variant.
Coding change: c.816-17T>C on transcript NM_004655.4 (MANE Select); 17 bases into the intron before coding-DNA position 816, T replaced by C.
Molecular consequence: intron variant.
Genome position (GRCh38, 1-based): chr17:65,549,677, A>G on the plus strand (T>C on the coding strand, the complement: AXIN2 is on the minus strand). VCF-style: chr17-65549677-A-G. GRCh37 (hg19) VCF-style: chr17-63545795-A-G.
Other names: c.816-17T>C (LRG_296t1, NM_001363813.1).
Identifiers: ClinVar variation 377541 (VCV000377541.9), dbSNP rs1057520236, ClinGen allele CA16607806.

ClinVar aggregate classification (germline): Likely benign. Review status: criteria provided, multiple submitters, no conflicts (2 of 4 stars). 3 submissions from 3 submitters: Likely benign (3). Last evaluated 2026-01-11.

Conditions:
Oligodontia-cancer predisposition syndrome. Also called: TOOTH AGENESIS-COLORECTAL CANCER SYNDROME. Identifiers: Orphanet 300576, MedGen C1837750, MONDO:0012075, OMIM 608615. Disease mechanism: loss of function.

Allele frequency attached by ClinVar (database versions not stated): gnomAD exomes 0.00001 and 0.00003; gnomAD 0.00003 and 0.00004; TOPMed 0.00003.
gnomAD v4.1: 48 of 1,585,926 alleles (0.003%); highest among the groups gnomAD compares: Non-Finnish European, 0.0037%; no homozygotes.

Submissions (3):

Labcorp Genetics (formerly Invitae), Labcorp
Classification: Likely benign for Oligodontia-cancer predisposition syndrome. Last evaluated: 2026-01-11. Review status: criteria provided, single submitter. Criteria: Invitae Variant Classification Sherloc (09022015). Collection method: clinical testing. Allele origin: germline.

Myriad Genetics, Inc.
Classification: Likely benign for Oligodontia-cancer predisposition syndrome. Last evaluated: 2024-06-27. Review status: criteria provided, single submitter. Criteria: Myriad Autosomal Dominant, Autosomal Recessive and X-Linked Classification Criteria (2023). Collection method: clinical testing. Allele origin: unknown.
Comment: This variant is considered likely benign. This variant is intronic and is not expected to impact mRNA splicing.

GeneDx
Classification: Likely benign. Last evaluated: 2017-07-07. Review status: criteria provided, single submitter. Criteria: GeneDx Variant Classification (06012015). Collection method: clinical testing. Allele origin: germline. Affected: yes.
Comment: This variant is considered likely benign or benign based on one or more of the following criteria: it is a conservative change, it occurs at a poorly conserved position in the protein, it is predicted to be benign by multiple in silico algorithms, and/or has population frequency not consistent with disease.